The following is an entry in ClinVar:

ClinVar aggregate classification (germline): Pathogenic (1 of 4 stars; one submission).

Conditions:
Renal tubular acidosis with progressive nerve deafness. Also called: RENAL TUBULAR ACIDOSIS, AUTOSOMAL RECESSIVE, WITH PROGRESSIVE NERVE DEAFNESS; RTA WITH PROGRESSIVE NERVE DEAFNESS; Distal Renal Tubular Acidosis with Progressive Sensorineural Deafness; renal tubular acidosis, distal, 2, with progressive sensorineural hearing loss. Identifiers: MedGen C0403554, MONDO:0009968, OMIM 267300.

Submission:

Myriad Genetics, Inc.
Classification: Pathogenic for Renal tubular acidosis with progressive nerve deafness. Last evaluated: 2023-09-27. Review status: criteria provided, single submitter. Criteria: Myriad Autosomal Dominant, Autosomal Recessive and X-Linked Classification Criteria (2023). Collection method: clinical testing. Allele origin: unknown.
Comment: NM_001692.3(ATP6V1B1):c.147dupG(P50Afs*33) is expected to be pathogenic in the context of distal renal tubular acidosis with deafness, ATP6V1B1-related. This variant is predicted to lead to an abnormal or absent protein product due to the creation of a premature termination codon in ATP6V1B1, a gene where loss-of-function variants are known to be pathogenic. Please note: this variant was assessed in the context of healthy population screening.

NM_001692.4(ATP6V1B1):c.147dup (p.Pro50fs)

Genes: ATP6V1B1 (ATPase H+ transporting V1 subunit B1; plus strand), ATP6V1B1-AS1 (ATP6V1B1 antisense RNA 1; minus strand). Cytogenetic location: 2p13.3.
Variant type: Duplication.
Coding change: c.147dup on transcript NM_001692.4 (MANE Select); coding-DNA position 147, one base duplicated (G; older notation c.147dupG).
Protein change: p.Pro50fs; shifts the reading frame from proline 50.
Molecular consequence: frameshift variant.
Genome position (GRCh38, 1-based): chr2:70,943,686, G duplicated; the last of 3 consecutive G bases (chr2:70,943,684-70,943,686); duplicating any one gives the same sequence. VCF-style (leftmost placement, unchanged base first): chr2-70943683-C-CG. GRCh37 (hg19) VCF-style: chr2-71170813-C-CG.
Other names: short protein forms P50fs.
Identifiers: ClinVar variation 5012068 (VCV005012068.1).